The following is an entry in ClinVar:

NM_014003.4(DHX38):c.938A>G (p.Gln313Arg)

Gene: DHX38 (DEAH-box helicase 38; plus strand). Cytogenetic location: 16q22.2.
Variant type: single nucleotide variant.
Coding change: c.938A>G on transcript NM_014003.4 (MANE Select); coding-DNA position 938, A replaced by G.
Protein change: p.Gln313Arg; replaces glutamine 313 with arginine.
Molecular consequence: missense variant.
Genome position (GRCh38, 1-based): chr16:72,099,258, A>G. VCF-style: chr16-72099258-A-G. GRCh37 (hg19) VCF-style: chr16-72133157-A-G.
Other names: short protein forms Q313R.
Identifiers: ClinVar variation 2120522 (VCV002120522.4), dbSNP rs2507089138, ClinGen allele CA396703874.

ClinVar aggregate classification (germline): Uncertain significance (1 of 4 stars; one submission).

Submission:

Labcorp Genetics (formerly Invitae), Labcorp
Classification: Uncertain significance. Last evaluated: 2022-10-24. Review status: criteria provided, single submitter. Criteria: Invitae Variant Classification Sherloc (09022015). Collection method: clinical testing. Allele origin: germline.
Comment: This sequence change replaces glutamine, which is neutral and polar, with arginine, which is basic and polar, at codon 313 of the DHX38 protein (p.Gln313Arg). This variant is not present in population databases (gnomAD no frequency). This variant has not been reported in the literature in individuals affected with DHX38-related conditions. Advanced modeling of protein sequence and biophysical properties (such as structural, functional, and spatial information, amino acid conservation, physicochemical variation, residue mobility, and thermodynamic stability) performed at Invitae indicates that this missense variant is not expected to disrupt DHX38 protein function. In summary, the available evidence is currently insufficient to determine the role of this variant in disease. Therefore, it has been classified as a Variant of Uncertain Significance.